The following is an entry in ClinVar:

NM_002693.3(POLG):c.3472C>T (p.Leu1158Phe)

Gene: POLG (DNA polymerase gamma, catalytic subunit; minus strand). Cytogenetic location: 15q26.1.
Variant type: single nucleotide variant.
Coding change: c.3472C>T on transcript NM_002693.3 (MANE Select); coding-DNA position 3472, C replaced by T.
Protein change: p.Leu1158Phe; replaces leucine 1158 with phenylalanine.
Molecular consequence: missense variant.
Genome position (GRCh38, 1-based): chr15:89,318,551, G>A on the plus strand (C>T on the coding strand, the complement: POLG is on the minus strand). VCF-style: chr15-89318551-G-A. GRCh37 (hg19) VCF-style: chr15-89861782-G-A.
Other names: c.3472C>T, p.Leu1158Phe (NM_001126131.2); short protein forms L1158F.
Identifiers: ClinVar variation 3901342 (VCV003901342.1).

ClinVar aggregate classification (germline): Uncertain significance (1 of 4 stars; one submission).

Submission:

GeneDx
Classification: Uncertain significance. Last evaluated: 2024-12-09. Review status: criteria provided, single submitter. Criteria: GeneDx Variant Classification Process June 2021. Collection method: clinical testing. Allele origin: germline. Affected: yes.
Comment: Not observed at significant frequency in large population cohorts (gnomAD); In silico analysis supports that this missense variant has a deleterious effect on protein structure/function; Has not been previously published as pathogenic or benign to our knowledge